The following is an entry in ClinVar:

ClinVar aggregate classification (germline): Conflicting classifications of pathogenicity. Review status: criteria provided, conflicting classifications (1 of 4 stars). 4 submissions from 4 submitters: Uncertain significance (3); Likely benign (1). Last evaluated 2026-08-07.

Conditions:
Hereditary breast ovarian cancer syndrome. Also called: Breast and ovarian cancer; Hereditary breast and ovarian cancer syndrome (HBOC); Hereditary breast and ovarian cancer syndrome; Hereditary breast and/or ovarian cancer syndrome; BRCA1- and BRCA2-Associated Hereditary Breast and Ovarian Cancer; Hereditary breast and ovarian cancer. Identifiers: Orphanet 145, MedGen C0677776, MeSH D061325, MONDO:0003582. Disease mechanism: loss of function.
Breast-ovarian cancer, familial, susceptibility to, 2 (BROVCA2). Also called: BRCA2 Hereditary Breast and Ovarian Cancer. Identifiers: Orphanet 145, MedGen C2675520, MONDO:0012933, OMIM 612555. Disease mechanism: loss of function.
Hereditary cancer-predisposing syndrome. Also called: Hereditary Cancer Syndrome; Hereditary neoplastic syndrome; Neoplastic Syndromes, Hereditary; Tumor predisposition. Identifiers: Orphanet 140162, MedGen C0027672, MeSH D009386, MONDO:0015356.
Familial cancer of breast. Also called: BREAST CANCER, FAMILIAL; Hereditary breast cancer; hereditary breast carcinoma. Identifiers: Orphanet 227535, MedGen C0346153, MONDO:0016419, OMIM 114480. Disease mechanism: loss of function.

Allele frequency attached by ClinVar (database versions not stated): gnomAD 0.00001; TOPMed 0.00001; gnomAD exomes below 0.00001; ExAC 0.00001.
gnomAD v4.1: 1 of 1,613,394 alleles (0.000062%); highest among the groups gnomAD compares: African/African-American, 0.0013%; no homozygotes.

Submissions (4):

Myriad Genetics, Inc.
Classification: Likely benign for Breast-ovarian cancer, familial, susceptibility to, 2. Last evaluated: 2026-08-07. Review status: criteria provided, single submitter. Criteria: Myriad Autosomal Dominant, Autosomal Recessive and X-Linked Classification Criteria (2023). Collection method: clinical testing. Allele origin: unknown.
Comment: This variant is considered likely benign. This variant is strongly associated with less severe personal and family histories of cancer, typical for individuals without pathogenic variants in this gene [PMID: 25085752].

Labcorp Genetics (formerly Invitae), Labcorp
Classification: Uncertain significance for Hereditary breast ovarian cancer syndrome. Last evaluated: 2024-12-29. Review status: criteria provided, single submitter. Criteria: Invitae Variant Classification Sherloc (09022015). Collection method: clinical testing. Allele origin: germline.
Comment: This sequence change replaces aspartic acid, which is acidic and polar, with glycine, which is neutral and non-polar, at codon 2965 of the BRCA2 protein (p.Asp2965Gly). This variant is present in population databases (rs767481384, gnomAD 0.007%). This variant has not been reported in the literature in individuals affected with BRCA2-related conditions. ClinVar contains an entry for this variant (Variation ID: 462502). Invitae Evidence Modeling of protein sequence and biophysical properties (such as structural, functional, and spatial information, amino acid conservation, physicochemical variation, residue mobility, and thermodynamic stability) indicates that this missense variant is not expected to disrupt BRCA2 protein function with a negative predictive value of 95%. In summary, the available evidence is currently insufficient to determine the role of this variant in disease. Therefore, it has been classified as a Variant of Uncertain Significance.

Ambry Genetics
Classification: Uncertain significance for Hereditary cancer-predisposing syndrome. Last evaluated: 2024-04-11. Review status: criteria provided, single submitter. Criteria: Ambry Variant Classification Scheme 2023. Collection method: clinical testing. Allele origin: germline.
Comment: The p.D2965G variant (also known as c.8894A>G), located in coding exon 21 of the BRCA2 gene, results from an A to G substitution at nucleotide position 8894. The aspartic acid at codon 2965 is replaced by glycine, an amino acid with similar properties. This amino acid position is well conserved in available vertebrate species. In addition, the in silico prediction for this alteration is inconclusive. Since supporting evidence is limited at this time, the clinical significance of this alteration remains unclear.

Baylor Genetics
Classification: Uncertain significance for Familial cancer of breast. Last evaluated: 2023-12-29. Review status: criteria provided, single submitter. Criteria: ACMG Guidelines, 2015. Collection method: clinical testing. Allele origin: unknown.

Literature cited by the submitters: PubMed 25085752 (cited by Myriad Genetics, Inc.).

NM_000059.4(BRCA2):c.8894A>G (p.Asp2965Gly)

Gene: BRCA2 (BRCA2 DNA repair associated; plus strand). Cytogenetic location: 13q13.1.
Variant type: single nucleotide variant.
Coding change: c.8894A>G on transcript NM_000059.4 (MANE Select); coding-DNA position 8894, A replaced by G.
Protein change: p.Asp2965Gly; replaces aspartic acid 2965 with glycine.
Molecular consequence: missense variant.
Genome position (GRCh38, 1-based): chr13:32,379,456, A>G. VCF-style: chr13-32379456-A-G. GRCh37 (hg19) VCF-style: chr13-32953593-A-G.
Other names: short protein forms D2965G.
Identifiers: ClinVar variation 462502 (VCV000462502.16), dbSNP rs767481384, ClinGen allele CA6941309.